The following is an entry in ClinVar:

NM_001365536.1(SCN9A):c.3472+14T>C

Genes: SCN1A-AS1 (SCN1A and SCN9A antisense RNA 1; plus strand), SCN9A (sodium voltage-gated channel alpha subunit 9; minus strand). Cytogenetic location: 2q24.3.
Variant type: single nucleotide variant.
Coding change: c.3472+14T>C on transcript NM_001365536.1 (MANE Select); 14 bases into the intron after coding-DNA position 3472, T replaced by C.
Molecular consequence: intron variant.
Genome position (GRCh38, 1-based): chr2:166,251,751, A>G on the plus strand (T>C on the coding strand, the complement: SCN9A is on the minus strand). VCF-style: chr2-166251751-A-G. GRCh37 (hg19) VCF-style: chr2-167108261-A-G.
Other names: c.3439+14T>C (NM_002977.4).
Identifiers: ClinVar variation 331970 (VCV000331970.14), dbSNP rs201979079, ClinGen allele CA1944052.

ClinVar aggregate classification (germline): Benign/Likely benign. Review status: criteria provided, multiple submitters, no conflicts (2 of 4 stars). 5 submissions from 3 submitters: Benign (3); Likely benign (2). Last evaluated 2026-01-25.

Conditions:
Paroxysmal extreme pain disorder (PEXPD). Also called: SCN9A Paroxysmal Extreme Pain Disorder (SCN9A-PEPD); PAIN, SUBMANDIBULAR, OCULAR, AND RECTAL, WITH FLUSHING; RECTAL PAIN, FAMILIAL. Identifiers: Orphanet 46348, MedGen C1833661, MONDO:0008179, OMIM 167400.
Neuropathy, hereditary sensory and autonomic, type 2A (HSAN2A). Also called: ACROOSTEOLYSIS, GIACCAI TYPE; ACROOSTEOLYSIS, NEUROGENIC; HSAN IIA; WNK1-Related HSAN2 (HSAN2A); MORVAN DISEASE; NEUROPATHY, CONGENITAL SENSORY. Identifiers: Orphanet 970, MedGen C2752089, MONDO:0024309, OMIM 201300.
Generalized epilepsy with febrile seizures plus, type 7 (GEFSP7). Also called: GEFS+, TYPE 7. Identifiers: Orphanet 36387, MedGen C2751778, MONDO:0013470, OMIM 613863.
Channelopathy-associated congenital insensitivity to pain, autosomal recessive. Also called: Insensitivity to pain, channelopathy-associated; ASYMBOLIA FOR PAIN; CONGENITAL ANALGESIA, AUTOSOMAL RECESSIVE. Identifiers: Orphanet 88642, Orphanet 970, MedGen C1855739, MONDO:0009459, OMIM 243000.
Primary erythromelalgia. Also called: SCN9A Erythromelalgia (SCN9A-EM); primary erythermalgia. Identifiers: Orphanet 306577, Orphanet 90026, MedGen C0014805, MONDO:0007571, OMIM 133020.

Allele frequency attached by ClinVar (database versions not stated): gnomAD exomes 0.00011 and 0.00045; TOPMed 0.00012; gnomAD 0.00017 and 0.00021; ExAC 0.00043; 1000 Genomes Project 30x 0.00094; 1000 Genomes Project 0.00100.
gnomAD v4.1: 196 of 1,612,206 alleles (0.012%); highest among the groups gnomAD compares: East Asian, 0.37%; no homozygotes.

Submissions (5):

Labcorp Genetics (formerly Invitae), Labcorp
Classification: Benign for Neuropathy, hereditary sensory and autonomic, type 2A; Generalized epilepsy with febrile seizures plus, type 7. Last evaluated: 2026-01-25. Review status: criteria provided, single submitter. Criteria: Invitae Variant Classification Sherloc (09022015). Collection method: clinical testing. Allele origin: germline.

Blueprint Genetics
Classification: Likely benign. Last evaluated: 2024-04-18. Review status: criteria provided, single submitter. Criteria: ACMG Guidelines, 2015. Collection method: clinical testing. Allele origin: germline.

Illumina Laboratory Services, Illumina
Classification: Likely benign for Channelopathy-associated congenital insensitivity to pain, autosomal recessive. Last evaluated: 2018-01-13. Review status: criteria provided, single submitter. Criteria: ICSL Variant Classification Criteria 13 December 2019. Collection method: clinical testing. Allele origin: germline.
Comment: This variant was observed in the ICSL laboratory as part of a predisposition screen in an ostensibly healthy population. It had not been previously curated by ICSL or reported in the Human Gene Mutation Database (HGMD: prior to June 1st, 2018), and was therefore a candidate for classification through an automated scoring system. Utilizing variant allele frequency, disease prevalence and penetrance estimates, and inheritance mode, an automated score was calculated to assess if this variant is too frequent to cause the disease. Based on the score and internal cut-off values, a variant classified as likely benign is not then subjected to further curation. The score for this variant resulted in a classification of likely benign for this disease.

Illumina Laboratory Services, Illumina
Classification: Benign for Paroxysmal extreme pain disorder. Last evaluated: 2018-01-13. Review status: criteria provided, single submitter. Criteria: ICSL Variant Classification Criteria 13 December 2019. Collection method: clinical testing. Allele origin: germline.
Comment: This variant was observed in the ICSL laboratory as part of a predisposition screen in an ostensibly healthy population. It had not been previously curated by ICSL or reported in the Human Gene Mutation Database (HGMD: prior to June 1st, 2018), and was therefore a candidate for classification through an automated scoring system. Utilizing variant allele frequency, disease prevalence and penetrance estimates, and inheritance mode, an automated score was calculated to assess if this variant is too frequent to cause the disease. Based on the score and internal cut-off values, a variant classified as benign is not then subjected to further curation. The score for this variant resulted in a classification of benign for this disease.

Illumina Laboratory Services, Illumina
Classification: Benign for Primary erythromelalgia. Last evaluated: 2018-01-13. Review status: criteria provided, single submitter. Criteria: ICSL Variant Classification Criteria 13 December 2019. Collection method: clinical testing. Allele origin: germline.
Comment: the same text as in the submission from Illumina Laboratory Services, Illumina above.